The following is an entry in ClinVar:

NM_000038.6(APC):c.7499A>G (p.Gln2500Arg)

Gene: APC (APC regulator of Wnt signaling pathway; plus strand). Cytogenetic location: 5q22.2.
Variant type: single nucleotide variant.
Coding change: c.7499A>G on transcript NM_000038.6 (MANE Select); coding-DNA position 7499, A replaced by G.
Protein change: p.Gln2500Arg; replaces glutamine 2500 with arginine.
Molecular consequence: missense variant.
Genome position (GRCh38, 1-based): chr5:112,843,093, A>G. VCF-style: chr5-112843093-A-G. GRCh37 (hg19) VCF-style: chr5-112178790-A-G.
Other names: c.7499A>G, p.Gln2500Arg (NM_001127510.3, NM_001354895.2); c.7445A>G, p.Gln2482Arg (NM_001127511.3); c.7553A>G, p.Gln2518Arg (NM_001354896.2); c.7529A>G, p.Gln2510Arg (NM_001354897.2); c.7424A>G, p.Gln2475Arg (NM_001354898.2); c.7415A>G, p.Gln2472Arg (NM_001354899.2); c.7376A>G, p.Gln2459Arg (NM_001354900.2); c.7322A>G, p.Gln2441Arg (NM_001354901.2); and 5 more; short protein forms Q2482R, Q2500R, Q2374R, Q2399R, Q2459R, Q2475R, Q2518R, Q2217R.
Identifiers: ClinVar variation 575075 (VCV000575075.14), dbSNP rs1561616049, ClinGen allele CA16037639.

ClinVar aggregate classification (germline): Uncertain significance. Review status: criteria provided, multiple submitters, no conflicts (2 of 4 stars). 3 submissions from 3 submitters: Uncertain significance (3). Last evaluated 2024-05-30.

Conditions:
Familial adenomatous polyposis 1 (FAP1). Also called: POLYPOSIS, ADENOMATOUS INTESTINAL; FAMILIAL ADENOMATOUS POLYPOSIS 1, ATTENUATED. Identifiers: MedGen C2713442, MONDO:0021056, OMIM 175100. Disease mechanism: loss of function.
Classic or attenuated familial adenomatous polyposis. Identifiers: MedGen CN372698, MONDO:0021057.
Hereditary cancer-predisposing syndrome. Also called: Neoplastic Syndromes, Hereditary; Hereditary Cancer Syndrome; Tumor predisposition; Hereditary neoplastic syndrome. Identifiers: Orphanet 140162, MedGen C0027672, MeSH D009386, MONDO:0015356.

Submissions (3):

All of Us Research Program, National Institutes of Health
Classification: Uncertain significance for Classic or attenuated familial adenomatous polyposis. Last evaluated: 2024-05-30. Review status: criteria provided, single submitter. Criteria: ACMG Guidelines, 2015. Collection method: clinical testing. Allele origin: germline. Inheritance: Autosomal dominant inheritance. Observed: 1 variant allele, 1 heterozygote.
Comment: This missense variant replaces glutamine with arginine at codon 2500 of the APC protein. Computational prediction suggests that this variant may not impact protein structure and function (internally defined REVEL score threshold <= 0.5, PMID: 27666373). To our knowledge, functional studies have not been reported for this variant. This variant has not been reported in individuals affected with APC-related disorders in the literature. This variant has not been identified in the general population by the Genome Aggregation Database (gnomAD). The available evidence is insufficient to determine the role of this variant in disease conclusively. Therefore, this variant is classified as a Variant of Uncertain Significance.

This study involves interpretation of variants in research participants for the purpose of population health screening. Participant phenotype was not available at the time of variant classification. Additional details can be found in publication PMID: 35346344, PMCID: PMC8962531

Color Diagnostics, LLC DBA Color Health
Classification: Uncertain significance for Hereditary cancer-predisposing syndrome. Last evaluated: 2024-05-08. Review status: criteria provided, single submitter. Criteria: ACMG Guidelines, 2015. Collection method: clinical testing. Allele origin: germline.
Comment: This missense variant replaces glutamine with arginine at codon 2500 of the APC protein. Computational prediction suggests that this variant may not impact protein structure and function (internally defined REVEL score threshold <= 0.5, PMID: 27666373). To our knowledge, functional studies have not been reported for this variant. This variant has not been reported in individuals affected with APC-related disorders in the literature. This variant has not been identified in the general population by the Genome Aggregation Database (gnomAD). The available evidence is insufficient to determine the role of this variant in disease conclusively. Therefore, this variant is classified as a Variant of Uncertain Significance.

Labcorp Genetics (formerly Invitae), Labcorp
Classification: Uncertain significance for Familial adenomatous polyposis 1. Last evaluated: 2018-05-26. Review status: criteria provided, single submitter. Criteria: Invitae Variant Classification Sherloc (09022015). Collection method: clinical testing. Allele origin: germline.
Comment: This sequence change replaces glutamine with arginine at codon 2500 of the APC protein (p.Gln2500Arg). The glutamine residue is highly conserved and there is a small physicochemical difference between glutamine and arginine. This variant is not present in population databases (ExAC no frequency). This variant has not been reported in the literature in individuals with APC-related disease. Algorithms developed to predict the effect of missense changes on protein structure and function are either unavailable or do not agree on the potential impact of this missense change (SIFT: "Tolerated"; PolyPhen-2: "Probably Damaging"; Align-GVGD: "Class C0"). In summary, the available evidence is currently insufficient to determine the role of this variant in disease. Therefore, it has been classified as a Variant of Uncertain Significance.